The following is an entry in ClinVar:

ClinVar aggregate classification (germline): Uncertain significance. Review status: criteria provided, multiple submitters, no conflicts (2 of 4 stars). 3 submissions from 3 submitters: Uncertain significance (3). Last evaluated 2022-06-13.

Conditions:
Donnai-Barrow syndrome. Also called: DBS/FOAR SYNDROME; FACIOOCULOACOUSTICORENAL SYNDROME. Identifiers: Orphanet 2143, MedGen C1857277, MONDO:0009104, OMIM 222448.

Allele frequency attached by ClinVar (database versions not stated): gnomAD 0.00003 and 0.00004; gnomAD exomes 0.00003 and 0.00004; TOPMed 0.00003; ExAC 0.00007.
gnomAD v4.1: 43 of 1,614,016 alleles (0.0027%); highest among the groups gnomAD compares: Non-Finnish European, 0.0032%; no homozygotes.

Submissions (3):

Labcorp Genetics (formerly Invitae), Labcorp
Classification: Uncertain significance. Last evaluated: 2022-06-13. Review status: criteria provided, single submitter. Criteria: Invitae Variant Classification Sherloc (09022015). Collection method: clinical testing. Allele origin: germline.
Comment: This sequence change replaces proline, which is neutral and non-polar, with histidine, which is basic and polar, at codon 977 of the LRP2 protein (p.Pro977His). This variant is present in population databases (rs766831061, gnomAD 0.007%). This variant has not been reported in the literature in individuals affected with LRP2-related conditions. Algorithms developed to predict the effect of missense changes on protein structure and function are either unavailable or do not agree on the potential impact of this missense change (SIFT: "Tolerated"; PolyPhen-2: "Possibly Damaging"; Align-GVGD: "Class C0"). In summary, the available evidence is currently insufficient to determine the role of this variant in disease. Therefore, it has been classified as a Variant of Uncertain Significance.

Blueprint Genetics
Classification: Uncertain significance. Last evaluated: 2022-02-08. Review status: criteria provided, single submitter. Criteria: ACMG Guidelines, 2015. Collection method: clinical testing. Allele origin: germline.

Fulgent Genetics
Classification: Uncertain significance for Donnai-Barrow syndrome. Last evaluated: 2021-09-08. Review status: criteria provided, single submitter. Criteria: ACMG Guidelines, 2015. Collection method: clinical testing. Allele origin: unknown.

NM_004525.3(LRP2):c.2930C>A (p.Pro977His)

Gene: LRP2 (LDL receptor related protein 2; minus strand). Cytogenetic location: 2q31.1.
Variant type: single nucleotide variant.
Coding change: c.2930C>A on transcript NM_004525.3 (MANE Select); coding-DNA position 2930, C replaced by A.
Protein change: p.Pro977His; replaces proline 977 with histidine.
Molecular consequence: missense variant.
Genome position (GRCh38, 1-based): chr2:169,246,965, G>T on the plus strand (C>A on the coding strand, the complement: LRP2 is on the minus strand). VCF-style: chr2-169246965-G-T. GRCh37 (hg19) VCF-style: chr2-170103475-G-T.
Other names: short protein forms P977H.
Identifiers: ClinVar variation 1524542 (VCV001524542.5), dbSNP rs766831061, ClinGen allele CA1955157.